The following is an entry in ClinVar:

NM_002576.5(PAK1):c.1058C>A (p.Thr353Lys)

Gene: PAK1 (p21 (RAC1) activated kinase 1; minus strand). Cytogenetic location: 11q13.5.
Variant type: single nucleotide variant.
Coding change: c.1058C>A on transcript NM_002576.5 (MANE Select); coding-DNA position 1058, C replaced by A.
Protein change: p.Thr353Lys; replaces threonine 353 with lysine.
Molecular consequence: missense variant. On other transcripts: non-coding transcript variant (2).
Genome position (GRCh38, 1-based): chr11:77,340,704, G>T on the plus strand (C>A on the coding strand, the complement: PAK1 is on the minus strand). VCF-style: chr11-77340704-G-T. GRCh37 (hg19) VCF-style: chr11-77051749-G-T.
Other names: c.1058C>A, p.Thr353Lys (NM_001376270.1, NM_001376271.1, NM_001376289.1 and 23 more transcripts); c.1079C>A, p.Thr360Lys (NM_001376272.1); c.1049C>A, p.Thr350Lys (NM_001376294.1); c.881C>A, p.Thr294Lys (NM_001376295.1); c.809C>A, p.Thr270Lys (NM_001376301.1); c.764C>A, p.Thr255Lys (NM_001376302.1, NM_001376304.1, NM_001376305.1); c.770C>A, p.Thr257Lys (NM_001376303.1); short protein forms T255K, T294K, T350K, T360K, T257K, T270K, T353K.
Identifiers: ClinVar variation 3731265 (VCV003731265.1).

ClinVar aggregate classification (germline): Uncertain significance (1 of 4 stars; one submission).

Submission:

GeneDx
Classification: Uncertain significance. Last evaluated: 2024-08-16. Review status: criteria provided, single submitter. Criteria: GeneDx Variant Classification Process June 2021. Collection method: clinical testing. Allele origin: germline. Affected: yes.
Comment: Not observed at significant frequency in large population cohorts (gnomAD); In silico analysis supports that this missense variant has a deleterious effect on protein structure/function; Has not been previously published as pathogenic or benign to our knowledge